The following is an entry in ClinVar:

ClinVar aggregate classification (germline): Uncertain significance. Review status: criteria provided, multiple submitters, no conflicts (2 of 4 stars). 2 submissions from 2 submitters: Uncertain significance (2). Last evaluated 2022-10-19.

Conditions:
Regional enteritis. Also called: Enteritis, Granulomatous. Identifiers: MedGen C0678202, MeSH D003424.
Blau syndrome (BLAUS). Also called: GRANULOMATOSIS, FAMILIAL JUVENILE SYSTEMIC; GRANULOMATOSIS, FAMILIAL, BLAU TYPE; GRANULOMATOUS INFLAMMATORY ARTHRITIS, DERMATITIS, AND UVEITIS, FAMILIAL; JABS SYNDROME; ARTHROCUTANEOUVEAL GRANULOMATOSIS. Identifiers: Orphanet 90340, MedGen C5201146, MONDO:0008523, OMIM 186580.

Allele frequency attached by ClinVar (database versions not stated): gnomAD exomes below 0.00001; TOPMed below 0.00001.
gnomAD v4.1: 3 of 1,614,114 alleles (0.00019%); highest among the groups gnomAD compares: African/African-American, 0.0013%; no homozygotes.

Submissions (2):

Labcorp Genetics (formerly Invitae), Labcorp
Classification: Uncertain significance for Regional enteritis; Blau syndrome. Last evaluated: 2022-10-19. Review status: criteria provided, single submitter. Criteria: Invitae Variant Classification Sherloc (09022015). Collection method: clinical testing. Allele origin: germline.
Comment: This variant is present in population databases (no rsID available, gnomAD 0.006%). This sequence change replaces glycine, which is neutral and non-polar, with aspartic acid, which is acidic and polar, at codon 971 of the NOD2 protein (p.Gly971Asp). This variant has not been reported in the literature in individuals affected with NOD2-related conditions. ClinVar contains an entry for this variant (Variation ID: 994348). Advanced modeling of protein sequence and biophysical properties (such as structural, functional, and spatial information, amino acid conservation, physicochemical variation, residue mobility, and thermodynamic stability) performed at Invitae indicates that this missense variant is not expected to disrupt NOD2 protein function. In summary, the available evidence is currently insufficient to determine the role of this variant in disease. Therefore, it has been classified as a Variant of Uncertain Significance.

ARUP Laboratories, Molecular Genetics and Genomics, ARUP Laboratories
Classification: Uncertain significance. Last evaluated: 2020-06-17. Review status: criteria provided, single submitter. Criteria: ARUP Molecular Germline Variant Investigation Process. Collection method: clinical testing. Allele origin: germline.
Comment: The NOD2 c.2912G>A; p.Gly971Asp (rs1187029221) variant, to our knowledge, is not reported in the medical literature or gene specific databases. This variant is only observed on one allele in the Genome Aggregation Database, indicating it is not a common polymorphism. The glycine at codon 971 is highly conserved, but computational analyses (SIFT, PolyPhen-2) predict that this variant is tolerated. Due to limited information, the clinical significance of the p.Gly971Asp variant is uncertain at this time.

NM_001370466.1(NOD2):c.2831G>A (p.Gly944Asp)

Gene: NOD2 (nucleotide binding oligomerization domain containing 2; plus strand). Cytogenetic location: 16q12.1.
Variant type: single nucleotide variant.
Coding change: c.2831G>A on transcript NM_001370466.1 (MANE Select); coding-DNA position 2831, G replaced by A.
Protein change: p.Gly944Asp; replaces glycine 944 with aspartic acid.
Molecular consequence: missense variant. On other transcripts: non-coding transcript variant (1).
Genome position (GRCh38, 1-based): chr16:50,725,518, G>A. VCF-style: chr16-50725518-G-A. GRCh37 (hg19) VCF-style: chr16-50759429-G-A.
Other names: c.2831G>A, p.Gly944Asp (NM_001293557.2); c.2912G>A, p.Gly971Asp (NM_022162.3); short protein forms G944D, G971D.
Identifiers: ClinVar variation 994348 (VCV000994348.13), dbSNP rs1187029221, ClinGen allele CA395876371.